The following is an entry in ClinVar:

ClinVar aggregate classification (germline): Uncertain significance (1 of 4 stars; one submission).

gnomAD v4.1: 1 of 1,610,900 alleles (0.000062%); highest among the groups gnomAD compares: Non-Finnish European, 0.000085%; no homozygotes.

Submission:

Dasa
Classification: Uncertain significance. Last evaluated: 2025-07-08. Review status: criteria provided, single submitter. Criteria: DASA Assertion Criteria. Collection method: clinical testing. Allele origin: germline.
Comment: NM_015450.3(POT1):c.538C>G (p.Leu180Val) is a missense variant that results in the substitution of leucine with valine. This variant is rare in population databases. Computational prediction algorithms are consistent with a benign effect. The currently available literature and clinical evidence are not sufficient to establish a definitive association between this variant and the reported condition. Therefore, this variant is classified as a variant of uncertain significance.

NM_015450.3(POT1):c.538C>G (p.Leu180Val)

Gene: POT1 (protection of telomeres 1; minus strand). Cytogenetic location: 7q31.33.
Variant type: single nucleotide variant.
Coding change: c.538C>G on transcript NM_015450.3 (MANE Select); coding-DNA position 538, C replaced by G.
Protein change: p.Leu180Val; replaces leucine 180 with valine.
Molecular consequence: missense variant. On other transcripts: non-coding transcript variant (3).
Genome position (GRCh38, 1-based): chr7:124,863,358, G>C on the plus strand (C>G on the coding strand, the complement: POT1 is on the minus strand). VCF-style: chr7-124863358-G-C. GRCh37 (hg19) VCF-style: chr7-124503412-G-C.
Other names: c.145C>G, p.Leu49Val (NM_001042594.2); short protein forms L180V, L49V.
Identifiers: ClinVar variation 4885052 (VCV004885052.2).
Genomic context (GRCh38, chr7:124,863,358, plus strand): 5'-CAGACATGTAAGTGGTGCTAACTTATAATTCCCAGTATTAAAAAATATGTACCTTTAGAA[G>C]AAATGATGCTCCGTCCACTTCTGCTTTGCCCAAGAGCTGACAAGTCAGGTCAAAATACTG-3'
Protein context (NP_056265.2, residues 170-190): GKAEVDGASF[Leu180Val]LKVWDGTRTP